The following is an entry in ClinVar:

NM_001356.5(DDX3X):c.831G>T (p.Glu277Asp)

Gene: DDX3X (DEAD-box helicase 3 X-linked; plus strand). Cytogenetic location: Xp11.4.
Variant type: single nucleotide variant.
Coding change: c.831G>T on transcript NM_001356.5 (MANE Select); coding-DNA position 831, G replaced by T.
Protein change: p.Glu277Asp; replaces glutamic acid 277 with aspartic acid.
Molecular consequence: missense variant. On other transcripts: non-coding transcript variant (1).
Genome position (GRCh38, 1-based): chrX:41,344,095, G>T. VCF-style: chrX-41344095-G-T. GRCh37 (hg19) VCF-style: chrX-41203348-G-T.
Other names: c.831G>T, p.Glu277Asp (NM_001193416.3); c.783G>T, p.Glu261Asp (NM_001193417.3); c.273G>T, p.Glu91Asp (NM_001363819.1); short protein forms E261D, E277D, E91D.
Identifiers: ClinVar variation 4530079 (VCV004530079.1).
Genomic context (GRCh38, chrX:41,344,095, plus strand): 5'-TGGAAGGTATGGGCGCCGCAAACAATACCCAATCTCCTTGGTATTAGCACCAACGAGAGA[G>T]TTGGCAGTACAGATCTACGAGGAAGCCAGAAAAGTAAGTATGAGTTCCAGTGATTATTAG-3'
Protein context (NP_001347.3, residues 267-287): PISLVLAPTR[Glu277Asp]LAVQIYEEAR

ClinVar aggregate classification (somatic clinical impact): Tier I - Strong (1 of 4 stars; one submission).

Conditions:
Medulloblastoma non-WNT/non-SHH group 3. Identifiers: MedGen C4330665, MONDO:0956966.

Submission:

Institute for Genomic Medicine (IGM) Clinical Laboratory, Nationwide Children's Hospital
Classification: Tier I - Strong for Medulloblastoma non-WNT/non-SHH group 3. Assertion type: diagnostic. Clinical significance: supports diagnosis. Last evaluated: 2024-10-01. Review status: criteria provided, single submitter. Criteria: AMP/ASCO/CAP Guidelines, 2017. Collection method: clinical testing. Allele origin: somatic. Affected: yes.
Comment: Variant has Tier I (strong) clinical significance as a diagnostic inclusion criterion in medulloblastoma non-WNT/non-SHH group 3, based on the following evidence: 1) Documented in one or more cancer databases (e.g., St. Jude Pecan, COSMIC, CIViC, OncoKB). 2) Appears in one or more well-established professional guidelines (e.g., World Health Organization [WHO]; National Comprehensive Cancer Network [NCCN]) as providing diagnostic, prognostic, or therapeutic information. 3) Information in the literature supports potential biologic effect of variant (PMIDs: 38057330, 26598523, 22820256, 37422363). 4) Diagnostic for a specific tumor type/classification based on well-powered studies with expert-level consensus (Evidence Level B; PMIDs: 22832583, 22722829, 28726821).

Literature cited by the submitters: PubMed 38057330; PubMed 26598523; PubMed 22820256; PubMed 37422363; PubMed 22832583; PubMed 22722829; PubMed 28726821.